The following is an entry in ClinVar:

ClinVar aggregate classification (germline): Uncertain significance. Review status: criteria provided, multiple submitters, no conflicts (2 of 4 stars). 2 submissions from 2 submitters: Uncertain significance (2). Last evaluated 2025-06-17.

gnomAD v4.1: 1 of 1,613,646 alleles (0.000062%); highest among the groups gnomAD compares: Admixed American, 0.0017%; no homozygotes.

Submissions (2):

Ambry Genetics
Classification: Uncertain significance. Last evaluated: 2025-06-17. Review status: criteria provided, single submitter. Criteria: Ambry Variant Classification Scheme 2023. Collection method: clinical testing. Allele origin: germline.

Labcorp Genetics (formerly Invitae), Labcorp
Classification: Uncertain significance. Last evaluated: 2024-12-12. Review status: criteria provided, single submitter. Criteria: Invitae Variant Classification Sherloc (09022015). Collection method: clinical testing. Allele origin: germline.
Comment: This sequence change replaces methionine, which is neutral and non-polar, with valine, which is neutral and non-polar, at codon 310 of the IFT88 protein (p.Met310Val). This variant is present in population databases (no rsID available, gnomAD 0.003%). This variant has not been reported in the literature in individuals affected with IFT88-related conditions. ClinVar contains an entry for this variant (Variation ID: 2069402). An algorithm developed to predict the effect of missense changes on protein structure and function outputs the following: PolyPhen-2: "Not Available". The valine amino acid residue is found in multiple mammalian species, which suggests that this missense change does not adversely affect protein function. In summary, the available evidence is currently insufficient to determine the role of this variant in disease. Therefore, it has been classified as a Variant of Uncertain Significance.

NM_006531.5(IFT88):c.901A>G (p.Met301Val)

Gene: IFT88 (intraflagellar transport 88; plus strand). Cytogenetic location: 13q12.11.
Variant type: single nucleotide variant.
Coding change: c.901A>G on transcript NM_006531.5 (MANE Select); coding-DNA position 901, A replaced by G.
Protein change: p.Met301Val; replaces methionine 301 with valine.
Molecular consequence: missense variant. On other transcripts: non-coding transcript variant (5), intron variant (7).
Genome position (GRCh38, 1-based): chr13:20,601,793, A>G. VCF-style: chr13-20601793-A-G. GRCh37 (hg19) VCF-style: chr13-21175932-A-G.
Other names: c.883+45A>G (NM_001353570.2, NM_001353576.2, NM_001353577.2 and 1 more transcripts); c.856+45A>G (NM_001353571.2, NM_001353578.2); c.799+45A>G (NM_001353574.2); c.844A>G, p.Met282Val (NM_001318491.2, NM_001353573.2, NM_001353575.2); c.928A>G, p.Met310Val (NM_001318493.2, NM_001353565.2, NM_001353566.2 and 2 more transcripts); c.901A>G, p.Met301Val (NM_001353568.2, NM_001353572.2); c.268A>G, p.Met90Val (NM_001353579.2); c.928A>G (NM_175605.3); short protein forms M310V, M90V, M282V, M301V.
Identifiers: ClinVar variation 2069402 (VCV002069402.5), dbSNP rs1330543877, ClinGen allele CA387474674.